The following is an entry in ClinVar:

NM_024685.4(BBS10):c.1545T>C (p.Asp515=)

Gene: BBS10 (Bardet-Biedl syndrome 10; minus strand). Cytogenetic location: 12q21.2.
Variant type: single nucleotide variant.
Coding change: c.1545T>C on transcript NM_024685.4 (MANE Select); coding-DNA position 1545, T replaced by C.
Protein change: p.Asp515=; no amino-acid change (aspartic acid 515 retained).
Molecular consequence: synonymous variant.
Genome position (GRCh38, 1-based): chr12:76,346,440, A>G on the plus strand (T>C on the coding strand, the complement: BBS10 is on the minus strand). VCF-style: chr12-76346440-A-G. GRCh37 (hg19) VCF-style: chr12-76740220-A-G.
Other names: c.1545T>C, p.Asp515= (LRG_1255t1).
Identifiers: ClinVar variation 261754 (VCV000261754.24), dbSNP rs77565309, ClinGen allele CA6694151.

ClinVar aggregate classification (germline): Benign. Review status: criteria provided, multiple submitters, no conflicts (2 of 4 stars). 5 submissions from 5 submitters: Benign (4). 1 of the submissions does not count toward it. Last evaluated 2026-01-28.

Conditions:
Bardet-Biedl syndrome (BBS). Identifiers: Orphanet 110, MedGen C0752166, MONDO:0015229.
Bardet-Biedl syndrome 10 (BBS10). Identifiers: Orphanet 110, MedGen C1859568, MONDO:0014438, OMIM 615987.

Allele frequency attached by ClinVar (database versions not stated): ESP Exome Variant Server 0.00008; gnomAD 0.00093 and 0.00169; TOPMed 0.00168; gnomAD exomes 0.00235 and 0.00265; ExAC 0.00269; 1000 Genomes Project 30x 0.00781; 1000 Genomes Project 0.00879.
gnomAD v4.1: 3,644 of 1,614,148 alleles (0.23%); highest among the groups gnomAD compares: East Asian, 7.2%; 151 homozygotes.

Submissions (5):

Labcorp Genetics (formerly Invitae), Labcorp
Classification: Benign for Bardet-Biedl syndrome. Last evaluated: 2026-01-28. Review status: criteria provided, single submitter. Criteria: Invitae Variant Classification Sherloc (09022015). Collection method: clinical testing. Allele origin: germline.

Illumina Laboratory Services, Illumina
Classification: Benign for Bardet-Biedl syndrome 10. Last evaluated: 2018-01-12. Review status: criteria provided, single submitter. Criteria: ICSL Variant Classification Criteria 13 December 2019. Collection method: clinical testing. Allele origin: germline.
Comment: This variant was observed in the ICSL laboratory as part of a predisposition screen in an ostensibly healthy population. It had not been previously curated by ICSL or reported in the Human Gene Mutation Database (HGMD: prior to June 1st, 2018), and was therefore a candidate for classification through an automated scoring system. Utilizing variant allele frequency, disease prevalence and penetrance estimates, and inheritance mode, an automated score was calculated to assess if this variant is too frequent to cause the disease. Based on the score and internal cut-off values, a variant classified as benign is not then subjected to further curation. The score for this variant resulted in a classification of benign for this disease.

Eurofins Ntd Llc (ga)
Classification: Benign. Last evaluated: 2015-10-13. Review status: criteria provided, single submitter. Criteria: EGL Classification Definitions 2015. Collection method: clinical testing. Allele origin: germline. Observed: 1 variant allele, 1 heterozygote.

PreventionGenetics, part of Exact Sciences
Classification: Benign. Review status: criteria provided, single submitter. Criteria: ACMG Guidelines, 2015. Collection method: clinical testing. Allele origin: germline.

Natera, Inc.
Classification: Benign for Bardet-Biedl syndrome type 10. Last evaluated: 2020-09-16. Review status: no assertion criteria provided. Collection method: clinical testing. Allele origin: germline. Not counted in ClinVar's aggregate classification.